The following is an entry in ClinVar:

NM_001083962.2(TCF4):c.1109C>T (p.Ser370Leu)

Gene: TCF4 (transcription factor 4; minus strand). Cytogenetic location: 18q21.2.
Variant type: single nucleotide variant.
Coding change: c.1109C>T on transcript NM_001083962.2 (MANE Select); coding-DNA position 1109, C replaced by T.
Protein change: p.Ser370Leu; replaces serine 370 with leucine.
Molecular consequence: missense variant.
Genome position (GRCh38, 1-based): chr18:55,257,352, G>A on the plus strand (C>T on the coding strand, the complement: TCF4 is on the minus strand). VCF-style: chr18-55257352-G-A. GRCh37 (hg19) VCF-style: chr18-52924583-G-A.
Other names: c.461C>T, p.Ser154Leu (NM_001348215.2); c.629C>T, p.Ser210Leu (NM_001348216.2, NM_001243234.2, NM_001243235.2 and 1 more transcripts); c.1037C>T, p.Ser346Leu (NM_001348217.1, NM_001348218.2, NM_001348219.2 and 5 more transcripts); c.1034C>T, p.Ser345Leu (NM_001348220.1, NM_001369576.1, NM_001369577.1 and 6 more transcripts); c.1109C>T, p.Ser370Leu (NM_001369567.1, NM_001369568.1, NM_001369571.1 and 2 more transcripts); c.1106C>T, p.Ser369Leu (NM_001369569.1, NM_001369570.1, NM_001330604.3 and 2 more transcripts); c.1415C>T, p.Ser472Leu (NM_001243226.3); c.1127C>T, p.Ser376Leu (NM_001243228.2); and 6 more; short protein forms S154L, S209L, S210L, S367L, S472L, S240L, S328L, S369L.
Identifiers: ClinVar variation 1348948 (VCV001348948.8), dbSNP rs1389107188, ClinGen allele CA402534288.
Genomic context (GRCh38, chr18:55,257,352, plus strand): 5'-AGAGATTAGCAAATGAGACATACCAAAGAGTGTAAGGGTCCTTCATAATTAGGAGACGAT[G>A]AGGCCTGTCCTCCATTTCTAGACCAAACAGCTGTGCCTGCTGATATTAAAGTGGGAATTA-3'
Protein context (NP_001077431.1, residues 360-380): AVWSRNGGQA[Ser370Leu]SSPNYEGPLH

ClinVar aggregate classification (germline): Uncertain significance (1 of 4 stars; one submission).

Conditions:
Pitt-Hopkins syndrome (PTHS). Also called: MENTAL RETARDATION, SYNDROMAL, WITH INTERMITTENT HYPERVENTILATION; ENCEPHALOPATHY, SEVERE EPILEPTIC, WITH AUTONOMIC DYSFUNCTION. Identifiers: Orphanet 2896, MedGen C1970431, MONDO:0012589, OMIM 610954.

Submission:

Labcorp Genetics (formerly Invitae), Labcorp
Classification: Uncertain significance for Pitt-Hopkins syndrome. Last evaluated: 2022-06-13. Review status: criteria provided, single submitter. Criteria: Invitae Variant Classification Sherloc (09022015). Collection method: clinical testing. Allele origin: germline.
Comment: This sequence change replaces serine, which is neutral and polar, with leucine, which is neutral and non-polar, at codon 370 of the TCF4 protein (p.Ser370Leu). This variant is not present in population databases (gnomAD no frequency). In summary, the available evidence is currently insufficient to determine the role of this variant in disease. Therefore, it has been classified as a Variant of Uncertain Significance. Algorithms developed to predict the effect of missense changes on protein structure and function are either unavailable or do not agree on the potential impact of this missense change (SIFT: "Deleterious"; PolyPhen-2: "Benign"; Align-GVGD: "Class C0"). This variant has not been reported in the literature in individuals affected with TCF4-related conditions.